The following is an entry in ClinVar:

ClinVar aggregate classification (germline): Uncertain significance. Review status: criteria provided, multiple submitters, no conflicts (2 of 4 stars). 3 submissions from 3 submitters: Uncertain significance (2). 1 of the submissions does not count toward it. Last evaluated 2022-06-20.

Conditions:
Epilepsy, juvenile myoclonic, susceptibility to, 10. Identifiers: MedGen C4693613, MONDO:0060671, OMIM 617924.

Allele frequency attached by ClinVar (database versions not stated): gnomAD exomes 0.00001 and 0.00002; gnomAD 0.00002; TOPMed 0.00002; ExAC 0.00003.
gnomAD v4.1: 8 of 1,613,950 alleles (0.0005%); highest among the groups gnomAD compares: Admixed American, 0.013%; no homozygotes.

Submissions (3):

Labcorp Genetics (formerly Invitae), Labcorp
Classification: Uncertain significance. Last evaluated: 2022-06-20. Review status: criteria provided, single submitter. Criteria: Invitae Variant Classification Sherloc (09022015). Collection method: clinical testing. Allele origin: germline.
Comment: This sequence change replaces lysine, which is basic and polar, with threonine, which is neutral and polar, at codon 305 of the ICK protein (p.Lys305Thr). This variant is present in population databases (rs765078446, gnomAD 0.01%). This variant has not been reported in the literature in individuals affected with ICK-related conditions. ClinVar contains an entry for this variant (Variation ID: 518217). Algorithms developed to predict the effect of missense changes on protein structure and function are either unavailable or do not agree on the potential impact of this missense change (SIFT: "Deleterious"; PolyPhen-2: "Benign"; Align-GVGD: "Class C0"). Experimental studies have shown that this missense change affects ICK function (PMID: 32178256). In summary, the available evidence is currently insufficient to determine the role of this variant in disease. Therefore, it has been classified as a Variant of Uncertain Significance.

New York Genome Center
Classification: Uncertain significance for Epilepsy, juvenile myoclonic, susceptibility to, 10. Last evaluated: 2020-06-11. Review status: criteria provided, single submitter. Criteria: NYGC Assertion Criteria 2020. Collection method: clinical testing. Allele origin: inherited. Observed: 1 heterozygote. Study: CSER-NYCKidSeq.

OMIM
Classification: risk factor for EPILEPSY, JUVENILE MYOCLONIC, SUSCEPTIBILITY TO, 10. Last evaluated: 2018-04-04. Review status: no assertion criteria provided. Collection method: literature only. Allele origin: germline. Not counted in ClinVar's aggregate classification.

Literature cited by the submitters: PubMed 32178256 (cited by Labcorp Genetics (formerly Invitae), Labcorp); PubMed 29539279 (cited by OMIM).

NM_014920.5(CILK1):c.914A>C (p.Lys305Thr)

Gene: CILK1 (ciliogenesis associated kinase 1; minus strand). Cytogenetic location: 6p12.1.
Variant type: single nucleotide variant.
Coding change: c.914A>C on transcript NM_014920.5 (MANE Select); coding-DNA position 914, A replaced by C.
Protein change: p.Lys305Thr; replaces lysine 305 with threonine.
Molecular consequence: missense variant. On other transcripts: non-coding transcript variant (1).
Genome position (GRCh38, 1-based): chr6:53,013,900, T>G on the plus strand (A>C on the coding strand, the complement: CILK1 is on the minus strand). VCF-style: chr6-53013900-T-G. GRCh37 (hg19) VCF-style: chr6-52878698-T-G.
Other names: c.914A>C, p.Lys305Thr (NM_001375397.1, NM_001375398.1, NM_001375399.1 and 4 more transcripts); c.914A>C (NM_014920.3); short protein forms K305T.
Identifiers: ClinVar variation 518217 (VCV000518217.8), dbSNP rs765078446, ClinGen allele CA3858661.